The following is an entry in ClinVar:

NM_000179.3(MSH6):c.2351_2352del (p.Asn784fs)

Gene: MSH6 (mutS homolog 6; plus strand). Cytogenetic location: 2p16.3.
Variant type: Deletion.
Coding change: c.2351_2352del on transcript NM_000179.3 (MANE Select); coding-DNA positions 2351 to 2352, 2 bases deleted (AC; older notation c.2351_2352delAC).
Protein change: p.Asn784fs; shifts the reading frame from asparagine 784.
Molecular consequence: frameshift variant.
Genome position (GRCh38, 1-based): chr2:47,800,334-47,800,335, AC deleted. VCF-style (leftmost placement, unchanged base first): chr2-47800333-AAC-A. GRCh37 (hg19) VCF-style: chr2-48027472-AAC-A.
Other names: c.1961_1962del, p.Asn654fs (NM_001281492.2); c.1445_1446del, p.Asn482fs (NM_001281493.2, NM_001281494.2); c.2351_2352delAC (NM_000179.2); short protein forms N784fs, N482fs, N654fs.
Identifiers: ClinVar variation 479922 (VCV000479922.15), dbSNP rs1553413717, ClinGen allele CA658655812.

ClinVar aggregate classification (germline): Pathogenic/Likely pathogenic. Review status: criteria provided, multiple submitters, no conflicts (2 of 4 stars). 3 submissions from 3 submitters: Pathogenic (2); Likely pathogenic (1). Last evaluated 2022-10-14.

Conditions:
Hereditary cancer-predisposing syndrome. Also called: Hereditary Cancer Syndrome; Neoplastic Syndromes, Hereditary; Tumor predisposition; Hereditary neoplastic syndrome. Identifiers: Orphanet 140162, MedGen C0027672, MeSH D009386, MONDO:0015356.
Hereditary nonpolyposis colorectal neoplasms. Identifiers: MedGen C0009405, MeSH D003123.

Submissions (3):

Revvity Omics, Revvity
Classification: Likely pathogenic. Last evaluated: 2022-10-14. Review status: criteria provided, single submitter. Criteria: ACMG Guidelines, 2015. Collection method: clinical testing. Allele origin: germline.

Labcorp Genetics (formerly Invitae), Labcorp
Classification: Pathogenic for Hereditary nonpolyposis colorectal neoplasms. Last evaluated: 2019-08-20. Review status: criteria provided, single submitter. Criteria: Invitae Variant Classification Sherloc (09022015). Collection method: clinical testing. Allele origin: germline.
Comment: For these reasons, this variant has been classified as Pathogenic. Loss-of-function variants in MSH6 are known to be pathogenic (PMID: 18269114, 24362816). This variant has not been reported in the literature in individuals with MSH6-related disease. ClinVar contains an entry for this variant (Variation ID: 479922). This variant is not present in population databases (ExAC no frequency). This sequence change creates a premature translational stop signal (p.Asn784Thrfs*5) in the MSH6 gene. It is expected to result in an absent or disrupted protein product.

Ambry Genetics
Classification: Pathogenic for Hereditary cancer-predisposing syndrome. Last evaluated: 2017-09-20. Review status: criteria provided, single submitter. Criteria: Ambry Variant Classification Scheme 2023. Collection method: clinical testing. Allele origin: germline.
Comment: The c.2351_2352delAC pathogenic mutation, located in coding exon 4 of the MSH6 gene, results from a deletion of two nucleotides at nucleotide positions 2351 to 2352, causing a translational frameshift with a predicted alternate stop codon (p.N784Tfs*5). This alteration is expected to result in loss of function by premature protein truncation or nonsense-mediated mRNA decay. As such, this alteration is interpreted as a disease-causing mutation.

Literature cited by the submitters: PubMed 18269114 (cited by Labcorp Genetics (formerly Invitae), Labcorp); PubMed 24362816 (cited by Labcorp Genetics (formerly Invitae), Labcorp).